The following is an entry in ClinVar:

NM_018685.5(ANLN):c.643G>A (p.Asp215Asn)

Gene: ANLN (anillin, actin binding protein; plus strand). Cytogenetic location: 7p14.2.
Variant type: single nucleotide variant.
Coding change: c.643G>A on transcript NM_018685.5 (MANE Select); coding-DNA position 643, G replaced by A.
Protein change: p.Asp215Asn; replaces aspartic acid 215 with asparagine.
Molecular consequence: missense variant.
Genome position (GRCh38, 1-based): chr7:36,406,336, G>A. VCF-style: chr7-36406336-G-A. GRCh37 (hg19) VCF-style: chr7-36445945-G-A.
Other names: c.643G>A, p.Asp215Asn (NM_001284301.3, NM_001284302.3); c.643G>A (NM_018685.4); short protein forms D215N.
Identifiers: ClinVar variation 2074492 (VCV002074492.6), dbSNP rs528529344, ClinGen allele CA4219390.

ClinVar aggregate classification (germline): Likely benign. Review status: criteria provided, single submitter (1 of 4 stars). 2 submissions from 2 submitters: Likely benign (1). 1 of the submissions does not count toward it. Last evaluated 2025-06-19.

Conditions:
ANLN-related disorder. Also called: ANLN-related condition.

Allele frequency attached by ClinVar (database versions not stated): gnomAD 0.00002; ExAC 0.00013.
gnomAD v4.1: 52 of 1,614,076 alleles (0.0032%); highest among the groups gnomAD compares: Admixed American, 0.085%; no homozygotes.

Submissions (2):

Labcorp Genetics (formerly Invitae), Labcorp
Classification: Likely benign. Last evaluated: 2025-06-19. Review status: criteria provided, single submitter. Criteria: Invitae Variant Classification Sherloc (09022015). Collection method: clinical testing. Allele origin: germline.

PreventionGenetics, part of Exact Sciences
Classification: Likely benign for ANLN-related condition. Last evaluated: 2022-12-19. Review status: no assertion criteria provided. Collection method: clinical testing. Allele origin: germline. Not counted in ClinVar's aggregate classification.
Comment: This variant is classified as likely benign based on ACMG/AMP sequence variant interpretation guidelines (Richards et al. 2015 PMID: 25741868, with internal and published modifications).